The following is an entry in ClinVar:

ClinVar aggregate classification (germline): Uncertain significance (1 of 4 stars; one submission).

Conditions:
Developmental and epileptic encephalopathy. Identifiers: MedGen C5779964, MONDO:0100620.

Allele frequency attached by ClinVar (database versions not stated): TOPMed 0.00002; gnomAD exomes 0.00003; ExAC 0.00006; gnomAD 0.00006; ESP Exome Variant Server 0.00008.
gnomAD v4.1: 48 of 1,612,094 alleles (0.003%); highest among the groups gnomAD compares: Non-Finnish European, 0.0036%; no homozygotes.

Submission:

Labcorp Genetics (formerly Invitae), Labcorp
Classification: Uncertain significance for Early-infantile DEE. Last evaluated: 2022-10-13. Review status: criteria provided, single submitter. Criteria: Invitae Variant Classification Sherloc (09022015). Collection method: clinical testing. Allele origin: germline.
Comment: This sequence change affects codon 542 of the CACNA2D2 mRNA. It is a 'silent' change, meaning that it does not change the encoded amino acid sequence of the CACNA2D2 protein. This variant also falls at the last nucleotide of exon 17, which is part of the consensus splice site for this exon. This variant is present in population databases (rs146279759, gnomAD 0.009%). This variant has not been reported in the literature in individuals affected with CACNA2D2-related conditions. Variants that disrupt the consensus splice site are a relatively common cause of aberrant splicing (PMID: 17576681, 9536098). Algorithms developed to predict the effect of sequence changes on RNA splicing suggest that this variant may create or strengthen a splice site. In summary, the available evidence is currently insufficient to determine the role of this variant in disease. Therefore, it has been classified as a Variant of Uncertain Significance.

Literature cited by the submitters: PubMed 17576681; PubMed 9536098.

NM_006030.4(CACNA2D2):c.1626G>A (p.Thr542=)

Gene: CACNA2D2 (calcium voltage-gated channel auxiliary subunit alpha2delta 2; minus strand). Cytogenetic location: 3p21.31.
Variant type: single nucleotide variant.
Coding change: c.1626G>A on transcript NM_006030.4 (MANE Select); coding-DNA position 1626, G replaced by A.
Protein change: p.Thr542=; no amino-acid change (threonine 542 retained).
Molecular consequence: synonymous variant.
Genome position (GRCh38, 1-based): chr3:50,377,467, C>T on the plus strand (G>A on the coding strand, the complement: CACNA2D2 is on the minus strand). VCF-style: chr3-50377467-C-T. GRCh37 (hg19) VCF-style: chr3-50414898-C-T.
Other names: c.1626G>A, p.Thr542= (NM_001005505.3, NM_001174051.3, NM_001410768.1); c.1419G>A, p.Thr473= (NM_001291101.1).
Identifiers: ClinVar variation 1906376 (VCV001906376.2), dbSNP rs146279759, ClinGen allele CA2418798.
Genomic context (GRCh38, chr3:50,377,467, plus strand): 5'-CTGAGCCTGCCTGTGTCCACATGGGAGGCAGGGTACGCGGATGGGCAGGGGGATGCTCAC[C>T]GTGTAGTTGGGGGTCAGCCTCTTGATGTCATTCAGAGCCACGTCAATGCCCATCACGCCC-3'
Protein context (NP_006021.2, residues 532-552): NDIKRLTPNY[Thr542=]LGANGYVFAI